The following is an entry in ClinVar:

NM_000143.4(FH):c.589A>G (p.Ile197Val)

Gene: FH (fumarate hydratase; minus strand). Cytogenetic location: 1q43.
Variant type: single nucleotide variant.
Coding change: c.589A>G on transcript NM_000143.4 (MANE Select); coding-DNA position 589, A replaced by G.
Protein change: p.Ile197Val; replaces isoleucine 197 with valine.
Molecular consequence: missense variant.
Genome position (GRCh38, 1-based): chr1:241,508,752, T>C on the plus strand (A>G on the coding strand, the complement: FH is on the minus strand). VCF-style: chr1-241508752-T-C. GRCh37 (hg19) VCF-style: chr1-241672052-T-C.
Other names: short protein forms I197V.
Identifiers: ClinVar variation 855702 (VCV000855702.11), dbSNP rs201764931, ClinGen allele CA40329595.
Genomic context (GRCh38, chr1:241,508,752, plus strand): 5'-CATCATGTAACTTCTGTAGTCCTGGTAACAGTACTTCATGAACTTCTATTGCAGCAGCAA[T>C]GTGCATTGCTGTGGGAAAAGTATCATTTGAGCTCTGTTGGAAATTTTTCAAAAGAAATAT-3'
Protein context (NP_000134.2, residues 187-207): SNDTFPTAMH[Ile197Val]AAAIEVHEVL

ClinVar aggregate classification (germline): Uncertain significance. Review status: criteria provided, multiple submitters, no conflicts (2 of 4 stars). 2 submissions from 2 submitters: Uncertain significance (2). Last evaluated 2025-11-10.

Conditions:
Hereditary cancer-predisposing syndrome. Also called: Tumor predisposition; Hereditary neoplastic syndrome; Neoplastic Syndromes, Hereditary; Hereditary Cancer Syndrome. Identifiers: Orphanet 140162, MedGen C0027672, MeSH D009386, MONDO:0015356.

Allele frequency attached by ClinVar (database versions not stated): gnomAD exomes below 0.00001; TOPMed below 0.00001; gnomAD 0.00001.
gnomAD v4.1: 2 of 1,613,898 alleles (0.00012%); highest among the groups gnomAD compares: Non-Finnish European, 0.000085%; no homozygotes.

Submissions (2):

Labcorp Genetics (formerly Invitae), Labcorp
Classification: Uncertain significance. Last evaluated: 2025-11-10. Review status: criteria provided, single submitter. Criteria: Invitae Variant Classification Sherloc (09022015). Collection method: clinical testing. Allele origin: germline.
Comment: This sequence change replaces isoleucine, which is neutral and non-polar, with valine, which is neutral and non-polar, at codon 197 of the FH protein (p.Ile197Val). This variant is present in population databases (rs201764931, gnomAD 0.03%). This variant has not been reported in the literature in individuals affected with FH-related conditions. ClinVar contains an entry for this variant (Variation ID: 855702). Invitae Evidence Modeling of protein sequence and biophysical properties (such as structural, functional, and spatial information, amino acid conservation, physicochemical variation, residue mobility, and thermodynamic stability) indicates that this missense variant is not expected to disrupt FH protein function with a negative predictive value of 80%. In summary, the available evidence is currently insufficient to determine the role of this variant in disease. Therefore, it has been classified as a Variant of Uncertain Significance.

Ambry Genetics
Classification: Uncertain significance for Hereditary cancer-predisposing syndrome. Last evaluated: 2025-05-05. Review status: criteria provided, single submitter. Criteria: Ambry Variant Classification Scheme 2023. Collection method: clinical testing. Allele origin: germline.
Comment: The p.I197V variant (also known as c.589A>G), located in coding exon 5 of the FH gene, results from an A to G substitution at nucleotide position 589. The isoleucine at codon 197 is replaced by valine, an amino acid with highly similar properties. This amino acid position is highly conserved in available vertebrate species. In addition, the in silico prediction for this alteration is inconclusive. Since supporting evidence is limited at this time, the clinical significance of this alteration remains unclear.